The following is an entry in ClinVar:

ClinVar aggregate classification (germline): Uncertain significance (1 of 4 stars; one submission).

Conditions:
Dyskeratosis congenita, autosomal dominant 1 (DKCA1). Also called: Dyskeratosis congenita Scoggins type. Identifiers: Orphanet 1775, MedGen C4551974, MONDO:0007485, OMIM 127550. Inheritance: Variable.

Submission:

Labcorp Genetics (formerly Invitae), Labcorp
Classification: Uncertain significance for Dyskeratosis congenita, autosomal dominant 1. Last evaluated: 2024-02-26. Review status: criteria provided, single submitter. Criteria: Invitae Variant Classification Sherloc (09022015). Collection method: clinical testing. Allele origin: germline.
Comment: This variant occurs in the TERC gene, which encodes an RNA molecule that does not result in a protein product. This variant is not present in population databases (gnomAD no frequency). This variant has not been reported in the literature in individuals affected with TERC-related conditions. ClinVar contains an entry for this variant (Variation ID: 2131542). This variant is located within the BoxH/ACA scaRNA domain of the TERC RNA component, which is required for telomerase activity (PMID: 21844345). In summary, the available evidence is currently insufficient to determine the role of this variant in disease. Therefore, it has been classified as a Variant of Uncertain Significance.

Literature cited by the submitters: PubMed 21844345.

NC_000003.12:g.169764726C>A

Genes: TERC (telomerase RNA component; minus strand), LOC110806306 (telomerase RNA component (TERC) promoter; plus strand). Cytogenetic location: 3q26.2.
Variant type: single nucleotide variant.
Genome position: GRCh38 VCF-style: chr3-169764726-C-A. GRCh37 (hg19) VCF-style: chr3-169482514-C-A.
Identifiers: ClinVar variation 2131542 (VCV002131542.4), dbSNP rs2474262054, ClinGen allele CA436715012.